The following is an entry in ClinVar:

NM_001286577.2(C2CD3):c.3689G>A (p.Gly1230Glu)

Gene: C2CD3 (C2 domain containing 3 centriole elongation regulator; minus strand). Cytogenetic location: 11q13.4.
Variant type: single nucleotide variant.
Coding change: c.3689G>A on transcript NM_001286577.2 (MANE Select); coding-DNA position 3689, G replaced by A.
Protein change: p.Gly1230Glu; replaces glycine 1230 with glutamic acid.
Molecular consequence: missense variant.
Genome position (GRCh38, 1-based): chr11:74,085,839, C>T on the plus strand (G>A on the coding strand, the complement: C2CD3 is on the minus strand). VCF-style: chr11-74085839-C-T. GRCh37 (hg19) VCF-style: chr11-73796884-C-T.
Other names: c.3689G>A, p.Gly1230Glu (NM_015531.6); short protein forms G1230E.
Identifiers: ClinVar variation 2751767 (VCV002751767.2), dbSNP rs749650151, ClinGen allele CA6182308.

ClinVar aggregate classification (germline): Uncertain significance (1 of 4 stars; one submission).

Allele frequency attached by ClinVar (database versions not stated): ExAC 0.00001.
gnomAD v4.1: 5 of 1,614,042 alleles (0.00031%); no homozygotes.

Submission:

Labcorp Genetics (formerly Invitae), Labcorp
Classification: Uncertain significance. Last evaluated: 2025-07-28. Review status: criteria provided, single submitter. Criteria: Invitae Variant Classification Sherloc (09022015). Collection method: clinical testing. Allele origin: germline.
Comment: This sequence change replaces glycine, which is neutral and non-polar, with glutamic acid, which is acidic and polar, at codon 1230 of the C2CD3 protein (p.Gly1230Glu). This variant is present in population databases (rs749650151, gnomAD 0.009%). This variant has not been reported in the literature in individuals affected with C2CD3-related conditions. ClinVar contains an entry for this variant (Variation ID: 2751767). Invitae Evidence Modeling of protein sequence and biophysical properties (such as structural, functional, and spatial information, amino acid conservation, physicochemical variation, residue mobility, and thermodynamic stability) indicates that this missense variant is expected to disrupt C2CD3 protein function with a positive predictive value of 80%. In summary, the available evidence is currently insufficient to determine the role of this variant in disease. Therefore, it has been classified as a Variant of Uncertain Significance.